The following is an entry in ClinVar:

NM_000069.3(CACNA1S):c.3256C>T (p.Arg1086Cys)

Gene: CACNA1S (calcium voltage-gated channel subunit alpha1 S; minus strand). Cytogenetic location: 1q32.1.
Variant type: single nucleotide variant.
Coding change: c.3256C>T on transcript NM_000069.3 (MANE Select); coding-DNA position 3256, C replaced by T.
Protein change: p.Arg1086Cys; replaces arginine 1086 with cysteine.
Molecular consequence: missense variant.
Genome position (GRCh38, 1-based): chr1:201,060,816, G>A on the plus strand (C>T on the coding strand, the complement: CACNA1S is on the minus strand). VCF-style: chr1-201060816-G-A. GRCh37 (hg19) VCF-style: chr1-201029944-G-A.
Other names: short protein forms R1086C.
Identifiers: ClinVar variation 21035 (VCV000021035.58), dbSNP rs80338782, ClinGen allele CA004040.

ClinVar aggregate classification (germline): Conflicting classifications of pathogenicity. Review status: criteria provided, conflicting classifications (1 of 4 stars). 15 submissions from 12 submitters: Likely pathogenic (1); Uncertain significance (13). 1 of the submissions does not count toward it. Last evaluated 2026-02-04.

Conditions:
Congenital myopathy 18. Also called: DIHYDROPYRIDINE RECEPTOR CONGENITAL MYOPATHY; DHPR CONGENITAL MYOPATHY; Myopathy, congenital, due to dihydropyridine receptor defect. Identifiers: MedGen C5830283, MONDO:0859514, OMIM 620246.
Fetal anomalies with a likely genetic cause.
Malignant hyperthermia, susceptibility to, 5 (MHS5). Also called: CACNA1S-Related Malignant Hyperthermia Susceptibility. Identifiers: Orphanet 423, MedGen C1866077, MONDO:0011163, OMIM 601887.
Hypokalemic periodic paralysis, type 1. Also called: HypoPP; Hypokalemic Periodic Paralysis Type 1 (AD). Identifiers: Orphanet 681, MedGen C3714580, MONDO:0042979, OMIM 170400.
Thyrotoxic periodic paralysis, susceptibility to, 1 (TTPP1). Identifiers: Orphanet 79102, MedGen C2749982, MONDO:0008570, OMIM 188580.
Hypokalemic periodic paralysis (HOKPP). Identifiers: Orphanet 681, MedGen C0238358, MONDO:0008223.

Allele frequency attached by ClinVar (database versions not stated): TOPMed 0.00003; gnomAD 0.00006; ESP Exome Variant Server 0.00015.
gnomAD v4.1: 39 of 1,614,026 alleles (0.0024%); highest among the groups gnomAD compares: African/African-American, 0.0053%; no homozygotes.

Submissions (15):

Genetics Laboratory, Great Ormond Street Hospital NHS Foundation Trust, North Thames Genomic Laboratory Hub
Classification: Likely pathogenic for Fetal anomalies with a likely genetic cause. Last evaluated: 2026-02-04. Review status: criteria provided, single submitter. Criteria: ACGS Best Practice Guidelines for Variant Classification in Rare Disease 2024 v1.2. Collection method: clinical testing. Allele origin: germline. Affected: yes.
Comment: PM2_supporting, PP3_supporting, PM5_strong

Labcorp Genetics (formerly Invitae), Labcorp
Classification: Uncertain significance for Hypokalemic periodic paralysis, type 1; Malignant hyperthermia, susceptibility to, 5. Last evaluated: 2025-10-01. Review status: criteria provided, single submitter. Criteria: Invitae Variant Classification Sherloc (09022015). Collection method: clinical testing. Allele origin: germline.
Comment: This sequence change replaces arginine, which is basic and polar, with cysteine, which is neutral and slightly polar, at codon 1086 of the CACNA1S protein (p.Arg1086Cys). The frequency data for this variant in the population databases is considered unreliable, as metrics indicate poor data quality at this position in the gnomAD database. This missense change has been observed in individual(s) with malignant hyperthermia (PMID: 10590402). ClinVar contains an entry for this variant (Variation ID: 21035). Invitae Evidence Modeling of protein sequence and biophysical properties (such as structural, functional, and spatial information, amino acid conservation, physicochemical variation, residue mobility, and thermodynamic stability) has been performed for this missense variant. However, the output from this modeling did not meet the statistical confidence thresholds required to predict the impact of this variant on CACNA1S protein function. This variant disrupts the p.Arg1086 amino acid residue in CACNA1S. Other variant(s) that disrupt this residue have been determined to be pathogenic (PMID: 9199552, 11260227, 12411788, 20431982). This suggests that this residue is clinically significant, and that variants that disrupt this residue are likely to be disease-causing. In summary, the available evidence is currently insufficient to determine the role of this variant in disease. Therefore, it has been classified as a Variant of Uncertain Significance.

Revvity Omics, Revvity
Classification: Uncertain significance. Last evaluated: 2025-01-29. Review status: criteria provided, single submitter. Criteria: ACMG Guidelines, 2015. Collection method: clinical testing. Allele origin: germline.

Color Diagnostics, LLC DBA Color Health
Classification: Uncertain significance for Malignant hyperthermia, susceptibility to, 5. Last evaluated: 2024-03-13. Review status: criteria provided, single submitter. Criteria: ACMG Guidelines, 2015. Collection method: clinical testing. Allele origin: germline.
Comment: This missense variant replaces arginine with cysteine at codon 1086 of the CACNA1S protein. Computational prediction suggests that this variant may have deleterious impact on protein structure and function. To our knowledge, functional studies have not been reported for this variant. This variant has been reported in one family affected with malignant hyperthermia susceptibility (PMID: 10590402). This variant has been identified in 5/282820 chromosomes in the general population by the Genome Aggregation Database (gnomAD). A different variant affecting the same codon, c.3257G>A (p.Arg1086His), is considered to be pathogenic (ClinVar Variation ID: 17626), suggesting that Arg at this position is important for CACNA1S protein function. The available evidence is insufficient to determine the role of this variant in disease conclusively. Therefore, this variant is classified as a Variant of Uncertain Significance.

Fulgent Genetics
Classification: Uncertain significance for Hypokalemic periodic paralysis, type 1; Thyrotoxic periodic paralysis, susceptibility to, 1; Malignant hyperthermia, susceptibility to, 5; Congenital myopathy 18. Last evaluated: 2024-03-07. Review status: criteria provided, single submitter. Criteria: ACMG Guidelines, 2015. Collection method: clinical testing. Allele origin: germline.

Women's Health and Genetics/Laboratory Corporation of America, LabCorp
Classification: Uncertain significance. Last evaluated: 2023-07-14. Review status: criteria provided, single submitter. Criteria: LabCorp Variant Classification Summary - May 2015. Collection method: clinical testing. Allele origin: germline.
Comment: Variant summary: CACNA1S c.3256C>T (p.Arg1086Cys) results in a non-conservative amino acid change in the encoded protein sequence and alters the first nucleotide of exon 26 adjacent to the intron 25 splice acceptor site. Five of five in-silico tools predict a damaging effect of the variant on protein function. 4/4 computational tools predict no significant impact on normal splicing. However, these predictions have yet to be confirmed by functional studies. The variant allele was found at a frequency of 1.6e-05 in 251428 control chromosomes. The available data on variant occurrences in the general population are insufficient to allow any conclusion about variant significance. c.3256C>T has been reported in the literature in at least one individual affected with Malignant Hyperthermia Susceptibility (e.g. Jurkat-Rott_2000). These data do not allow any conclusion about variant significance. To our knowledge, no experimental evidence demonstrating an impact on protein function has been reported. The following publications have been ascertained in the context of this evaluation (PMID: 25637381, 10590402). Four submitters have cited clinical-significance assessments for this variant to ClinVar after 2014. All submitters classified the variant as uncertain significance. Based on the evidence outlined above, the variant was classified as uncertain significance.

Genome-Nilou Lab
Classification: Uncertain significance for Malignant hyperthermia, susceptibility to, 5. Last evaluated: 2023-04-11. Review status: criteria provided, single submitter. Criteria: ACMG Guidelines, 2015. Collection method: clinical testing. Allele origin: germline. Affected: no.

Genome-Nilou Lab
Classification: Uncertain significance for Thyrotoxic periodic paralysis, susceptibility to, 1. Last evaluated: 2023-04-11. Review status: criteria provided, single submitter. Criteria: ACMG Guidelines, 2015. Collection method: clinical testing. Allele origin: germline. Affected: no.

Genome-Nilou Lab
Classification: Uncertain significance for Congenital myopathy 18. Last evaluated: 2023-04-11. Review status: criteria provided, single submitter. Criteria: ACMG Guidelines, 2015. Collection method: clinical testing. Allele origin: germline. Affected: no.

Genome-Nilou Lab
Classification: Uncertain significance for Hypokalemic periodic paralysis, type 1. Last evaluated: 2023-04-11. Review status: criteria provided, single submitter. Criteria: ACMG Guidelines, 2015. Collection method: clinical testing. Allele origin: germline. Affected: no.

Genetics and Molecular Pathology, SA Pathology
Classification: Uncertain significance for Hypokalemic periodic paralysis, type 1. Last evaluated: 2022-10-14. Review status: criteria provided, single submitter. Criteria: ACMG Guidelines, 2015. Collection method: clinical testing. Allele origin: germline. Inheritance: Autosomal dominant inheritance. Affected: yes.
Comment: The CACNA1S c.3256C>T variant is classified as VUS (PM2, PM5, PP3) The CACNA1S c.3256C>T variant is a single nucleotide change in exon 26/44 of the CACNA1S gene, which is predicted to change the amino acid arginine at position 1086 in the protein to cysteine. The variant is rare in population databases (gnomAD allele frequency = 0.0052%; 8 het and 0 hom in 152162 sequenced alleles; highest frequency = 0.0073%, Non-Finnish European population) (PM2_supporting). This variant is a novel missense change at an amino acid residue where a different missense change has been seen before (p.Arg1086His on ClinVar as drug response/pathogenic in Malignant hyperthermia c.3256C>A; p.Arg1086Ser on ClinVar as likely path) (PM5). Computational predictions support a deleterious effect on the gene or gene product (PP3). The variant has been reported in dbSNP (rs80338782) and in the HGMD database: CM003920. It has been reported as Uncertain significance by other diagnostic laboratories (ClinVar Variation ID: 21035). literature: the variant has been reported in a family with malignant hyperthermia (PMID:10590402).

CeGaT Center for Human Genetics Tuebingen
Classification: Uncertain significance. Last evaluated: 2022-08-01. Review status: criteria provided, single submitter. Criteria: CeGaT Center For Human Genetics Tuebingen Variant Classification Criteria Version 2. Collection method: clinical testing. Allele origin: germline. Affected: yes. Observed: 3 variant alleles.
Comment: CACNA1S: PM5, PM2:Supporting, PP3, PP4

Blueprint Genetics
Classification: Uncertain significance. Last evaluated: 2021-09-08. Review status: criteria provided, single submitter. Criteria: ACMG Guidelines, 2015. Collection method: clinical testing. Allele origin: germline.

GeneDx
Classification: Uncertain significance. Last evaluated: 2020-06-05. Review status: criteria provided, single submitter. Criteria: GeneDx Variant Classification Process June 2021. Collection method: clinical testing. Allele origin: germline. Affected: yes.
Comment: Reported in a family with malignant hyperthermia, however, additional details were not provided (Jurkat-Rott et al., 2000); In silico analysis, which includes protein predictors and evolutionary conservation, supports a deleterious effect; This variant is associated with the following publications: (PMID: 10590402, 25637381)

CSER _CC_NCGL, University of Washington
Classification: Uncertain significance for Hypokalaemic periodic paralysis. Last evaluated: 2014-06-01. Review status: no assertion criteria provided. Collection method: research. Allele origin: germline. Inheritance: Autosomal dominant inheritance. Study: ESP 6500 variant annotation. Not counted in ClinVar's aggregate classification.
Comment: Variants classified for the Actionable exomic incidental findings in 6503 participants: challenges of variant classification manuscript

Literature cited by the submitters: PubMed 10590402 (cited by 4 submitters); PubMed 9199552 (cited by Labcorp Genetics (formerly Invitae), Labcorp); PubMed 11260227 (cited by Labcorp Genetics (formerly Invitae), Labcorp); PubMed 12411788 (cited by Labcorp Genetics (formerly Invitae), Labcorp); PubMed 20431982 (cited by Labcorp Genetics (formerly Invitae), Labcorp); PubMed 25637381 (cited by Women's Health and Genetics/Laboratory Corporation of America, LabCorp).